The following is an entry in ClinVar:

NM_001378454.1(ALMS1):c.9700A>G (p.Asn3234Asp)

Gene: ALMS1 (ALMS1 centrosome and basal body associated protein; plus strand). Cytogenetic location: 2p13.1.
Variant type: single nucleotide variant.
Coding change: c.9700A>G on transcript NM_001378454.1 (MANE Select); coding-DNA position 9700, A replaced by G.
Protein change: p.Asn3234Asp; replaces asparagine 3234 with aspartic acid.
Molecular consequence: missense variant.
Genome position (GRCh38, 1-based): chr2:73,519,935, A>G. VCF-style: chr2-73519935-A-G. GRCh37 (hg19) VCF-style: chr2-73747062-A-G.
Other names: c.9703A>G, p.Asn3235Asp (NM_015120.4); short protein forms N3234D, N3235D.
Identifiers: ClinVar variation 1033324 (VCV001033324.1), dbSNP rs1673641556, ClinGen allele CA347281293.

ClinVar aggregate classification (germline): Uncertain significance (1 of 4 stars; one submission).

Conditions:
Alstrom syndrome (ALMS). Identifiers: Orphanet 64, MedGen C0268425, MONDO:0008763, OMIM 203800.

Submission:

Baylor Genetics
Classification: Uncertain significance for Alstrom syndrome. Last evaluated: 2018-03-13. Review status: criteria provided, single submitter. Criteria: ACMG Guidelines, 2015. Collection method: clinical testing. Allele origin: paternal. Affected: yes.
Comment: This variant was determined to be of uncertain significance according to ACMG Guidelines, 2015 [PMID:25741868].